The following is an entry in ClinVar:

ClinVar aggregate classification (germline): Conflicting classifications of pathogenicity. Review status: criteria provided, conflicting classifications (1 of 4 stars). 4 submissions from 4 submitters: Uncertain significance (2); Likely benign (2). Last evaluated 2025-11-05.

Conditions:
Megacystis-microcolon-intestinal hypoperistalsis syndrome 1. Identifiers: MedGen C5542316, MONDO:0100354, OMIM 249210.
Aortic aneurysm, familial thoracic 7 (AAT7). Also called: AORTIC DISSECTION, FAMILIAL, WITH OR WITHOUT AORTIC ANEURYSM. Identifiers: MedGen C3151077, MONDO:0013418, OMIM 613780.
Familial thoracic aortic aneurysm and aortic dissection (TAAD). Also called: Thoracic aortic aneurysms and dissections. Identifiers: Orphanet 91387, MedGen C4707243, MONDO:0019625.

Allele frequency attached by ClinVar (database versions not stated): gnomAD 0.00003; TOPMed 0.00006; ExAC 0.00007; ESP Exome Variant Server 0.00008; gnomAD exomes 0.00008.
gnomAD v4.1: 43 of 1,567,670 alleles (0.0027%); highest among the groups gnomAD compares: Middle Eastern, 0.034%; no homozygotes.

Submissions (4):

Women's Health and Genetics/Laboratory Corporation of America, LabCorp
Classification: Likely benign. Last evaluated: 2025-11-05. Review status: criteria provided, single submitter. Criteria: LabCorp Variant Classification Summary - May 2015. Collection method: clinical testing. Allele origin: germline.

Labcorp Genetics (formerly Invitae), Labcorp
Classification: Uncertain significance for Aortic aneurysm, familial thoracic 7. Last evaluated: 2025-10-29. Review status: criteria provided, single submitter. Criteria: Invitae Variant Classification Sherloc (09022015). Collection method: clinical testing. Allele origin: germline.
Comment: This sequence change replaces serine, which is neutral and polar, with leucine, which is neutral and non-polar, at codon 283 of the MYLK protein (p.Ser283Leu). This variant is present in population databases (rs150096018, gnomAD 0.03%). This variant has not been reported in the literature in individuals affected with MYLK-related conditions. ClinVar contains an entry for this variant (Variation ID: 644920). Invitae Evidence Modeling of protein sequence and biophysical properties (such as structural, functional, and spatial information, amino acid conservation, physicochemical variation, residue mobility, and thermodynamic stability) indicates that this missense variant is not expected to disrupt MYLK protein function with a negative predictive value of 95%. In summary, the available evidence is currently insufficient to determine the role of this variant in disease. Therefore, it has been classified as a Variant of Uncertain Significance.

Ambry Genetics
Classification: Likely benign for Familial thoracic aortic aneurysm and aortic dissection. Last evaluated: 2025-01-15. Review status: criteria provided, single submitter. Criteria: Ambry Variant Classification Scheme 2023. Collection method: clinical testing. Allele origin: germline.

Fulgent Genetics
Classification: Uncertain significance for Megacystis-microcolon-intestinal hypoperistalsis syndrome 1; Aortic aneurysm, familial thoracic 7. Last evaluated: 2021-08-23. Review status: criteria provided, single submitter. Criteria: ACMG Guidelines, 2015. Collection method: clinical testing. Allele origin: unknown.

NM_053025.4(MYLK):c.848C>T (p.Ser283Leu)

Gene: MYLK (myosin light chain kinase; minus strand). Cytogenetic location: 3q21.1.
Variant type: single nucleotide variant.
Coding change: c.848C>T on transcript NM_053025.4 (MANE Select); coding-DNA position 848, C replaced by T.
Protein change: p.Ser283Leu; replaces serine 283 with leucine.
Molecular consequence: missense variant.
Genome position (GRCh38, 1-based): chr3:123,734,148, G>A on the plus strand (C>T on the coding strand, the complement: MYLK is on the minus strand). VCF-style: chr3-123734148-G-A. GRCh37 (hg19) VCF-style: chr3-123452995-G-A.
Other names: c.320C>T, p.Ser107Leu (NM_001321309.2); c.848C>T, p.Ser283Leu (NM_053026.4, NM_053027.4, NM_053028.4); short protein forms S283L, S107L.
Identifiers: ClinVar variation 644920 (VCV000644920.13), dbSNP rs150096018, ClinGen allele CA073706.
Genomic context (GRCh38, chr3:123,734,148, plus strand): 5'-CCTCTCTGGGGGCTGGAGCAGTTCTTGCTTTTGGCTGCAGCCTCCAGACTGTCCAGCTTC[G>A]ACTCCTTTGAGATTACATTGGTCACCTCTTTCCTGACATCTGAATTGGTGGCTTTTGTTT-3'
Protein context (NP_444253.3, residues 273-293): KEVTNVISKE[Ser283Leu]KLDSLEAAAK